The following is an entry in ClinVar:

ClinVar aggregate classification (germline): Uncertain significance (1 of 4 stars; one submission).

Conditions:
Developmental and epileptic encephalopathy, 42 (DEE42A). Also called: DEVELOPMENTAL AND EPILEPTIC ENCEPHALOPATHY 42A; EPILEPTIC ENCEPHALOPATHY, EARLY INFANTILE, 42A; Epileptic encephalopathy, early infantile, 42. Identifiers: MedGen C4310716, MONDO:0014917, OMIM 617106.
Episodic ataxia type 2 (EA2). Also called: ATAXIA, EPISODIC, WITH NYSTAGMUS; ATAXIA, FAMILIAL PAROXYSMAL; CEREBELLAR ATAXIA, PAROXYSMAL, ACETAZOLAMIDE-RESPONSIVE; CEREBELLOPATHY, HEREDITARY PAROXYSMAL; EPISODIC ATAXIA, NYSTAGMUS-ASSOCIATED; ACETAZOLAMIDE-RESPONSIVE HEREDITARY PAROXYSMAL CEREBELLAR ATAXIA. Identifiers: Orphanet 97, MedGen C1720416, MONDO:0007163, OMIM 108500.

Submission:

Labcorp Genetics (formerly Invitae), Labcorp
Classification: Uncertain significance for Developmental and epileptic encephalopathy, 42; Episodic ataxia type 2. Last evaluated: 2022-08-31. Review status: criteria provided, single submitter. Criteria: Invitae Variant Classification Sherloc (09022015). Collection method: clinical testing. Allele origin: germline.
Comment: This sequence change affects codon 400 of the CACNA1A mRNA. It is a 'silent' change, meaning that it does not change the encoded amino acid sequence of the CACNA1A protein. In summary, the available evidence is currently insufficient to determine the role of this variant in disease. Therefore, it has been classified as a Variant of Uncertain Significance. Algorithms developed to predict the effect of sequence changes on RNA splicing suggest that this variant may disrupt the consensus splice site. ClinVar contains an entry for this variant (Variation ID: 1481848). This variant has not been reported in the literature in individuals affected with CACNA1A-related conditions. This variant is not present in population databases (gnomAD no frequency).

NM_001127222.2(CACNA1A):c.1200A>G (p.Glu400=)

Gene: CACNA1A (calcium voltage-gated channel subunit alpha1 A; minus strand). Cytogenetic location: 19p13.13.
Variant type: single nucleotide variant.
Coding change: c.1200A>G on transcript NM_001127222.2 (MANE Select); coding-DNA position 1200, A replaced by G.
Protein change: p.Glu400=; no amino-acid change (glutamic acid 400 retained).
Molecular consequence: synonymous variant.
Genome position (GRCh38, 1-based): chr19:13,332,924, T>C on the plus strand (A>G on the coding strand, the complement: CACNA1A is on the minus strand). VCF-style: chr19-13332924-T-C. GRCh37 (hg19) VCF-style: chr19-13443738-T-C.
Other names: c.1200A>G, p.Glu400= (NM_000068.4, NM_001127221.2, NM_001174080.2 and 1 more transcripts).
Identifiers: ClinVar variation 1481848 (VCV001481848.8), dbSNP rs2145126158, ClinGen allele CA505664008.